The following is an entry in ClinVar:

NM_000426.4(LAMA2):c.3089dup (p.Cys1030fs)

Gene: LAMA2 (laminin subunit alpha 2; plus strand). Cytogenetic location: 6q22.33.
Variant type: Duplication.
Coding change: c.3089dup on transcript NM_000426.4 (MANE Select); coding-DNA position 3089, one base duplicated (G; older notation c.3089dupG).
Protein change: p.Cys1030fs; shifts the reading frame from cysteine 1030.
Molecular consequence: frameshift variant.
Genome position (GRCh38, 1-based): chr6:129,300,787, G duplicated. VCF-style (leftmost placement, unchanged base first): chr6-129300786-T-TG. GRCh37 (hg19) VCF-style: chr6-129621931-T-TG.
Other names: c.3089dup, p.Cys1030fs (NM_001079823.2); short protein forms C1030fs.
Identifiers: ClinVar variation 5013232 (VCV005013232.1).

ClinVar aggregate classification (germline): Pathogenic (1 of 4 stars; one submission).

Conditions:
LAMA2-related muscular dystrophy (LAMA2-RD). Also called: Laminin alpha 2-related dystrophy. Identifiers: MedGen C5679788, MONDO:0100228.

Submission:

Myriad Genetics, Inc.
Classification: Pathogenic for LAMA2-related muscular dystrophy. Last evaluated: 2024-06-23. Review status: criteria provided, single submitter. Criteria: Myriad Autosomal Dominant, Autosomal Recessive and X-Linked Classification Criteria (2023). Collection method: clinical testing. Allele origin: unknown.
Comment: NM_000426.3(LAMA2):c.3089dupG(C1030Wfs*14) is expected to be pathogenic in the context of muscular dystrophy, LAMA2-related. This variant is predicted to lead to an abnormal or absent protein product due to the creation of a premature termination codon in LAMA2, a gene where loss-of-function variants are known to be pathogenic. Please note: this variant was assessed in the context of healthy population screening.